The following is an entry in ClinVar:

ClinVar aggregate classification (germline): Uncertain significance. Review status: criteria provided, multiple submitters, no conflicts (2 of 4 stars). 2 submissions from 2 submitters: Uncertain significance (2). Last evaluated 2025-04-21.

Conditions:
Joubert syndrome. Also called: Familial aplasia of the vermis; CEREBELLOPARENCHYMAL DISORDER IV; JOUBERT-BOLTSHAUSER SYNDROME. Identifiers: Orphanet 475, MedGen C5979921, MONDO:0018772.
Meckel-Gruber syndrome. Also called: Dysencephalia splachnocystica; DYSENCEPHALIA SPLANCHNOCYSTICA; GRUBER SYNDROME. Identifiers: Orphanet 564, MedGen C0265215, MONDO:0018921.

Allele frequency attached by ClinVar (database versions not stated): gnomAD 0.00001; gnomAD exomes 0.00002 and 0.00010; TOPMed 0.00004; ExAC 0.00006.
gnomAD v4.1: 34 of 1,614,052 alleles (0.0021%); highest among the groups gnomAD compares: Admixed American, 0.043%; no homozygotes.

Submissions (2):

GeneDx
Classification: Uncertain significance. Last evaluated: 2025-04-21. Review status: criteria provided, single submitter. Criteria: GeneDx Variant Classification Process June 2021. Collection method: clinical testing. Allele origin: germline. Affected: yes.
Comment: In silico analysis indicates that this missense variant does not alter protein structure/function; In silico analysis suggests this variant may impact gene splicing. In the absence of RNA/functional studies, the actual effect of this sequence change is unknown.; Has not been previously published as pathogenic or benign to our knowledge

Labcorp Genetics (formerly Invitae), Labcorp
Classification: Uncertain significance for Joubert syndrome; Meckel-Gruber syndrome. Last evaluated: 2022-07-29. Review status: criteria provided, single submitter. Criteria: Invitae Variant Classification Sherloc (09022015). Collection method: clinical testing. Allele origin: germline.
Comment: This sequence change replaces arginine, which is basic and polar, with glutamine, which is neutral and polar, at codon 301 of the TCTN1 protein (p.Arg301Gln). This variant is present in population databases (rs780877516, gnomAD 0.06%). This variant has not been reported in the literature in individuals affected with TCTN1-related conditions. ClinVar contains an entry for this variant (Variation ID: 1010330). Algorithms developed to predict the effect of missense changes on protein structure and function (SIFT, PolyPhen-2, Align-GVGD) all suggest that this variant is likely to be tolerated. Algorithms developed to predict the effect of sequence changes on RNA splicing suggest that this variant may create or strengthen a splice site. In summary, the available evidence is currently insufficient to determine the role of this variant in disease. Therefore, it has been classified as a Variant of Uncertain Significance.

NM_001082538.3(TCTN1):c.902G>A (p.Arg301Gln)

Gene: TCTN1 (tectonic family member 1; plus strand). Cytogenetic location: 12q24.11.
Variant type: single nucleotide variant.
Coding change: c.902G>A on transcript NM_001082538.3 (MANE Select); coding-DNA position 902, G replaced by A.
Protein change: p.Arg301Gln; replaces arginine 301 with glutamine.
Molecular consequence: missense variant. On other transcripts: non-coding transcript variant (1).
Genome position (GRCh38, 1-based): chr12:110,640,441, G>A. VCF-style: chr12-110640441-G-A. GRCh37 (hg19) VCF-style: chr12-111078246-G-A.
Other names: c.902G>A, p.Arg301Gln (NM_001082537.3, NM_001319680.2); c.734G>A, p.Arg245Gln (NM_001173975.3); c.722G>A, p.Arg241Gln (NM_001173976.2); c.368G>A, p.Arg123Gln (NM_001319681.2); c.860G>A, p.Arg287Gln (NM_024549.6); c.902G>A (NM_001082538.2); short protein forms R123Q, R241Q, R245Q, R287Q, R301Q.
Identifiers: ClinVar variation 1010330 (VCV001010330.5), dbSNP rs780877516, ClinGen allele CA6786768.